The following is an entry in ClinVar:

ClinVar aggregate classification (germline): Uncertain significance (1 of 4 stars; one submission).

Conditions:
COL2A1-related disorder. Also called: COL2A1-related condition; COL2A1-related disorders.

Submission:

3billion
Classification: Uncertain significance for COL2A1-related disorder. Last evaluated: 2024-06-28. Review status: criteria provided, single submitter. Criteria: ACMG Guidelines, 2015. Collection method: clinical testing. Allele origin: germline. Affected: yes.
Comment: The variant is not observed in the gnomAD v4.0.0 dataset. Predicted Consequence/Location: The variant is located in a mutational hot spot and/or well-established functional domain in which established pathogenic variants have been reported (PMID: 26626311). In silico tool predictions suggest damaging effect of the variant on gene or gene product [REVEL: 0.97 (>=0.6, sensitivity 0.68 and specificity 0.92); 3Cnet: 1.00 (>=0.6, sensitivity 0.72 and precision 0.9)]. Therefore, this variant is classified as VUS according to the recommendation of ACMG/AMP guideline.

Literature cited by the submitters: PubMed 26626311.

NM_001844.5(COL2A1):c.1592G>A (p.Gly531Glu)

Gene: COL2A1 (collagen type II alpha 1 chain; minus strand). Cytogenetic location: 12q13.11.
Variant type: single nucleotide variant.
Coding change: c.1592G>A on transcript NM_001844.5 (MANE Select); coding-DNA position 1592, G replaced by A.
Protein change: p.Gly531Glu; replaces glycine 531 with glutamic acid.
Molecular consequence: missense variant.
Genome position (GRCh38, 1-based): chr12:47,985,816, C>T on the plus strand (G>A on the coding strand, the complement: COL2A1 is on the minus strand). VCF-style: chr12-47985816-C-T. GRCh37 (hg19) VCF-style: chr12-48379599-C-T.
Other names: c.1385G>A, p.Gly462Glu (NM_033150.3); short protein forms G462E, G531E.
Identifiers: ClinVar variation 4293732 (VCV004293732.1).
Genomic context (GRCh38, chr12:47,985,816, plus strand): 5'-GGACGGCCAGGGTCACCGTTGGCTCCCTTGGGGCCAGCAAGACCACTGGGCCCTCGCTCT[C>T]CAGGGGCTCCCTACAAGGGTACACAGGGAGTCAGTGGGATACCATGTGACCTCAGCGATG-3'
Protein context (NP_001835.3, residues 521-541): DGLAGPKGAP[Gly531Glu]ERGPSGLAGP